The following is an entry in ClinVar:

NM_002160.4(TNC):c.5275G>A (p.Gly1759Arg)

Gene: TNC (tenascin C; minus strand). Cytogenetic location: 9q33.1.
Variant type: single nucleotide variant.
Coding change: c.5275G>A on transcript NM_002160.4 (MANE Select); coding-DNA position 5275, G replaced by A.
Protein change: p.Gly1759Arg; replaces glycine 1759 with arginine.
Molecular consequence: missense variant.
Genome position (GRCh38, 1-based): chr9:115,041,058, C>T on the plus strand (G>A on the coding strand, the complement: TNC is on the minus strand). VCF-style: chr9-115041058-C-T. GRCh37 (hg19) VCF-style: chr9-117803337-C-T.
Other names: c.4729G>A, p.Gly1577Arg (NM_001410991.1); short protein forms G1759R, G1577R.
Identifiers: ClinVar variation 2407769 (VCV002407769.5), dbSNP rs113892305, ClinGen allele CA5207697.

ClinVar aggregate classification (germline): Uncertain significance. Review status: criteria provided, multiple submitters, no conflicts (2 of 4 stars). 3 submissions from 3 submitters: Uncertain significance (3). Last evaluated 2025-05-06.

Conditions:
Autosomal dominant nonsyndromic hearing loss 56. Also called: Deafness, autosomal dominant 56. Identifiers: Orphanet 90635, MedGen C3810170, MONDO:0014283, OMIM 615629.

Allele frequency attached by ClinVar (database versions not stated): gnomAD exomes 0.00004; gnomAD 0.00012; ExAC 0.00015; TOPMed 0.00015; 1000 Genomes Project 30x 0.00016; 1000 Genomes Project 0.00020; ESP Exome Variant Server 0.00023.
gnomAD v4.1: 78 of 1,613,928 alleles (0.0048%); highest among the groups gnomAD compares: Middle Eastern, 0.033%; no homozygotes.

Submissions (3):

Women's Health and Genetics/Laboratory Corporation of America, LabCorp
Classification: Uncertain significance. Last evaluated: 2025-05-06. Review status: criteria provided, single submitter. Criteria: LabCorp Variant Classification Summary - May 2015. Collection method: clinical testing. Allele origin: germline.
Comment: Variant summary: TNC c.5275G>A (p.Gly1759Arg) results in a non-conservative amino acid change in the encoded protein sequence. Algorithms developed to predict the effect of missense changes on protein structure and function are either unavailable or do not agree on the potential impact of this missense change. The variant allele was found at a frequency of 0.00011 in 251068 control chromosomes. This frequency is not significantly higher than estimated for a pathogenic variant in TNC causing Deafness, Autosomal Dominant 56, allowing no conclusion about variant significance. c.5275G>A has been observed in individual(s) affected with developmental disorder and autism (e.g., Kaplanis_2020, Zhou_2022). These report(s) do not provide unequivocal conclusions about association of the variant with Deafness, Autosomal Dominant 56. To our knowledge, no experimental evidence demonstrating an impact on protein function has been reported. The following publications have been ascertained in the context of this evaluation (PMID: 33057194, 35982159). ClinVar contains an entry for this variant (Variation ID: 2407769). Based on the evidence outlined above, the variant was classified as uncertain significance.

Ambry Genetics
Classification: Uncertain significance. Last evaluated: 2021-07-28. Review status: criteria provided, single submitter. Criteria: Ambry Variant Classification Scheme 2023. Collection method: clinical testing. Allele origin: germline.

Juno Genomics, Hangzhou Juno Genomics, Inc
Classification: Uncertain significance for Autosomal dominant nonsyndromic hearing loss 56. Review status: criteria provided, single submitter. Criteria: ACMG Guidelines, 2015. Collection method: clinical testing. Allele origin: germline.
Comment: Absent from controls (or at extremely low frequency if recessive) in Genome Aggregation Database.

Literature cited by the submitters: PubMed 35982159 (cited by Women's Health and Genetics/Laboratory Corporation of America, LabCorp); PubMed 33057194 (cited by Women's Health and Genetics/Laboratory Corporation of America, LabCorp).